The following is an entry in ClinVar:

ClinVar aggregate classification (germline): Uncertain significance (1 of 4 stars; one submission).

Allele frequency attached by ClinVar (database versions not stated): gnomAD 0.00001; gnomAD exomes 0.00001; ExAC 0.00002; TOPMed 0.00003.

Submission:

Labcorp Genetics (formerly Invitae), Labcorp
Classification: Uncertain significance. Last evaluated: 2025-05-05. Review status: criteria provided, single submitter. Criteria: Invitae Variant Classification Sherloc (09022015). Collection method: clinical testing. Allele origin: germline.
Comment: This sequence change replaces arginine, which is basic and polar, with histidine, which is basic and polar, at codon 1012 of the ATP1A1 protein (p.Arg1012His). This variant is present in population databases (rs746521823, gnomAD 0.02%). This variant has not been reported in the literature in individuals affected with ATP1A1-related conditions. ClinVar contains an entry for this variant (Variation ID: 1933436). Invitae Evidence Modeling of protein sequence and biophysical properties (such as structural, functional, and spatial information, amino acid conservation, physicochemical variation, residue mobility, and thermodynamic stability) indicates that this missense variant is not expected to disrupt ATP1A1 protein function with a negative predictive value of 95%. In summary, the available evidence is currently insufficient to determine the role of this variant in disease. Therefore, it has been classified as a Variant of Uncertain Significance.

NM_000701.8(ATP1A1):c.3035G>A (p.Arg1012His)

Genes: ATP1A1 (ATPase Na+/K+ transporting subunit alpha 1; plus strand), ATP1A1-AS1 (ATP1A1 antisense RNA 1; minus strand). Cytogenetic location: 1p13.1.
Variant type: single nucleotide variant.
Coding change: c.3035G>A on transcript NM_000701.8 (MANE Select); coding-DNA position 3035, G replaced by A.
Protein change: p.Arg1012His; replaces arginine 1012 with histidine.
Molecular consequence: missense variant.
Genome position (GRCh38, 1-based): chr1:116,403,967, G>A. VCF-style: chr1-116403967-G-A. GRCh37 (hg19) VCF-style: chr1-116946589-G-A.
Other names: c.3035G>A, p.Arg1012His (NM_001160233.2); c.2942G>A, p.Arg981His (NM_001160234.2); short protein forms R981H, R1012H.
Identifiers: ClinVar variation 1933436 (VCV001933436.5), dbSNP rs746521823, ClinGen allele CA1025699.